The following is an entry in ClinVar:

NM_032806.6(POMGNT2):c.1109A>G (p.Asn370Ser)

Gene: POMGNT2 (protein O-linked mannose N-acetylglucosaminyltransferase 2 (beta 1,4-); minus strand). Cytogenetic location: 3p22.1.
Variant type: single nucleotide variant.
Coding change: c.1109A>G on transcript NM_032806.6 (MANE Select); coding-DNA position 1109, A replaced by G.
Protein change: p.Asn370Ser; replaces asparagine 370 with serine.
Molecular consequence: missense variant.
Genome position (GRCh38, 1-based): chr3:43,080,323, T>C on the plus strand (A>G on the coding strand, the complement: POMGNT2 is on the minus strand). VCF-style: chr3-43080323-T-C. GRCh37 (hg19) VCF-style: chr3-43121815-T-C.
Other names: short protein forms N370S.
Identifiers: ClinVar variation 1975181 (VCV001975181.2), dbSNP rs2528895645, ClinGen allele CA352301833.

ClinVar aggregate classification (germline): Uncertain significance (1 of 4 stars; one submission).

Conditions:
Muscular dystrophy-dystroglycanopathy (congenital with brain and eye anomalies), type a, 8 (MDDGA8). Also called: WALKER-WARBURG SYNDROME OR MUSCLE-EYE-BRAIN DISEASE, GTDC2-RELATED. Identifiers: Orphanet 899, MedGen C3553813, MONDO:0013904, OMIM 614830.

Allele frequency attached by ClinVar (database versions not stated): gnomAD exomes 0.00001.

Submission:

Labcorp Genetics (formerly Invitae), Labcorp
Classification: Uncertain significance for Muscular dystrophy-dystroglycanopathy (congenital with brain and eye anomalies), type a, 8. Last evaluated: 2022-06-22. Review status: criteria provided, single submitter. Criteria: Invitae Variant Classification Sherloc (09022015). Collection method: clinical testing. Allele origin: germline.
Comment: This sequence change replaces asparagine, which is neutral and polar, with serine, which is neutral and polar, at codon 370 of the POMGNT2 protein (p.Asn370Ser). This variant is not present in population databases (gnomAD no frequency). This variant has not been reported in the literature in individuals affected with POMGNT2-related conditions. Algorithms developed to predict the effect of missense changes on protein structure and function are either unavailable or do not agree on the potential impact of this missense change (SIFT: "Deleterious"; PolyPhen-2: "Possibly Damaging"; Align-GVGD: "Class C0"). In summary, the available evidence is currently insufficient to determine the role of this variant in disease. Therefore, it has been classified as a Variant of Uncertain Significance.